The following is an entry in ClinVar:

ClinVar aggregate classification (germline): Uncertain significance (1 of 4 stars; one submission).

Conditions:
Oligodontia-cancer predisposition syndrome. Also called: TOOTH AGENESIS-COLORECTAL CANCER SYNDROME. Identifiers: Orphanet 300576, MedGen C1837750, MONDO:0012075, OMIM 608615. Disease mechanism: loss of function.

Submission:

Labcorp Genetics (formerly Invitae), Labcorp
Classification: Uncertain significance for Oligodontia-cancer predisposition syndrome. Last evaluated: 2022-04-13. Review status: criteria provided, single submitter. Criteria: Invitae Variant Classification Sherloc (09022015). Collection method: clinical testing. Allele origin: germline.
Comment: Algorithms developed to predict the effect of missense changes on protein structure and function are either unavailable or do not agree on the potential impact of this missense change (SIFT: "Not Available"; PolyPhen-2: "Possibly Damaging"; Align-GVGD: "Not Available"). ClinVar contains an entry for this variant (Variation ID: 940081). This variant has not been reported in the literature in individuals affected with AXIN2-related conditions. Information on the frequency of this variant in the gnomAD database is not available, as this variant may be reported differently in the database. This sequence change replaces glutamine, which is neutral and polar, with proline, which is neutral and non-polar, at codon 396 of the AXIN2 protein (p.Gln396Pro). In summary, the available evidence is currently insufficient to determine the role of this variant in disease. Therefore, it has been classified as a Variant of Uncertain Significance.

NM_004655.4(AXIN2):c.1187_1188delinsCC (p.Gln396Pro)

Gene: AXIN2 (axin 2; minus strand). Cytogenetic location: 17q24.1.
Variant type: Indel.
Coding change: c.1187_1188delinsCC on transcript NM_004655.4 (MANE Select); coding-DNA positions 1187 to 1188, AG replaced by CC.
Protein change: p.Gln396Pro; replaces glutamine 396 with proline.
Molecular consequence: missense variant.
Genome position (GRCh38, 1-based): chr17:65,538,215-65,538,216, CT replaced by GG on the plus strand (AG replaced by CC on the coding strand, the reverse complement: AXIN2 is on the minus strand). VCF-style: chr17-65538215-CT-GG. GRCh37 (hg19) VCF-style: chr17-63534333-CT-GG.
Other names: c.1187_1188delinsCC, p.Gln396Pro (NM_001363813.1); short protein forms Q396P.
Identifiers: ClinVar variation 940081 (VCV000940081.9), dbSNP rs2043977656, ClinGen allele CA1139665832.